The following is an entry in ClinVar:

NM_012079.6(DGAT1):c.856-3C>T

Gene: DGAT1 (diacylglycerol O-acyltransferase 1; minus strand). Cytogenetic location: 8q24.3.
Variant type: single nucleotide variant.
Coding change: c.856-3C>T on transcript NM_012079.6 (MANE Select); 3 bases into the intron before coding-DNA position 856, C replaced by T.
Molecular consequence: intron variant.
Genome position (GRCh38, 1-based): chr8:144,317,825, G>A on the plus strand (C>T on the coding strand, the complement: DGAT1 is on the minus strand). VCF-style: chr8-144317825-G-A. GRCh37 (hg19) VCF-style: chr8-145541488-G-A.
Other names: p.?.
Identifiers: ClinVar variation 1165484 (VCV001165484.36), dbSNP rs201711241, ClinGen allele CA4936795.

ClinVar aggregate classification (germline): Benign/Likely benign. Review status: criteria provided, multiple submitters, no conflicts (2 of 4 stars). 6 submissions from 6 submitters: Benign (2); Likely benign (2). 2 of the submissions do not count toward it. Last evaluated 2026-02-01.

Allele frequency attached by ClinVar (database versions not stated): 1000 Genomes Project 30x 0.00078; 1000 Genomes Project 0.00100; ESP Exome Variant Server 0.00347.
gnomAD v4.1: 6,598 of 1,609,926 alleles (0.41%); highest among the groups gnomAD compares: Non-Finnish European, 0.52%; 14 homozygotes.

Submissions (8):

Labcorp Genetics (formerly Invitae), Labcorp
Classification: Benign. Last evaluated: 2026-02-01. Review status: criteria provided, single submitter. Criteria: Invitae Variant Classification Sherloc (09022015). Collection method: clinical testing. Allele origin: germline.

Blueprint Genetics
Classification: Likely benign. Last evaluated: 2024-11-26. Review status: criteria provided, single submitter. Criteria: ACMG Guidelines, 2015. Collection method: clinical testing. Allele origin: germline.

Mayo Clinic Laboratories, Mayo Clinic
Classification: Benign. Last evaluated: 2024-11-25. Review status: criteria provided, single submitter. Criteria: ACMG Guidelines, 2015. Collection method: clinical testing. Allele origin: germline. Observed: 1 variant allele.
Comment: BS1, BS2, BP4, BP7

CeGaT Center for Human Genetics Tuebingen
Classification: Likely benign. Last evaluated: 2023-01-01. Review status: criteria provided, single submitter. Criteria: CeGaT Center For Human Genetics Tuebingen Variant Classification Criteria Version 2. Collection method: clinical testing. Allele origin: germline. Affected: yes. Observed: 1 variant allele.
Comment: DGAT1: BP4, BS2

Clinical Genetics DNA and cytogenetics Diagnostics Lab, Erasmus MC, Erasmus Medical Center
Classification: Likely benign. Review status: no assertion criteria provided. Collection method: clinical testing. Allele origin: germline. Affected: yes. Study: VKGL Data-share Consensus. Not counted in ClinVar's aggregate classification.

Dr. Peter K. Rogan Lab, Western University
No classification provided (evidence only). Condition: Lung cancer. Review status: no classification provided. Collection method: in vitro. Allele origin: not applicable. Functional consequence: retained intron. Not counted in ClinVar's aggregate classification.

Dr. Peter K. Rogan Lab, Western University
No classification provided (evidence only). Condition: Gastric cancer. Review status: no classification provided. Collection method: in vitro. Allele origin: not applicable. Functional consequence: retained intron. Not counted in ClinVar's aggregate classification.

Genome Diagnostics Laboratory, University Medical Center Utrecht
Classification: Likely benign. Review status: no assertion criteria provided. Collection method: clinical testing. Allele origin: germline. Affected: yes. Study: VKGL Data-share Consensus. Not counted in ClinVar's aggregate classification.